The following is an entry in ClinVar:

NM_001165963.4(SCN1A):c.3184A>G (p.Met1062Val)

Genes: SCN1A (sodium voltage-gated channel alpha subunit 1; minus strand), LOC102724058 (uncharacterized LOC102724058; plus strand). Cytogenetic location: 2q24.3.
Variant type: single nucleotide variant.
Coding change: c.3184A>G on transcript NM_001165963.4 (MANE Select); coding-DNA position 3184, A replaced by G.
Protein change: p.Met1062Val; replaces methionine 1062 with valine.
Molecular consequence: missense variant. On other transcripts: non-coding transcript variant (2).
Genome position (GRCh38, 1-based): chr2:166,036,293, T>C on the plus strand (A>G on the coding strand, the complement: SCN1A is on the minus strand). VCF-style: chr2-166036293-T-C. GRCh37 (hg19) VCF-style: chr2-166892803-T-C.
Other names: c.3100A>G, p.Met1034Val (NM_001165964.3, NM_001353957.2, NM_001353958.2); c.3184A>G, p.Met1062Val (NM_001202435.3, NM_001353948.2); c.3151A>G, p.Met1051Val (NM_001353949.2, NM_001353950.2, NM_001353951.2 and 2 more transcripts); c.3148A>G, p.Met1050Val (NM_001353954.2, NM_001353955.2); c.3097A>G, p.Met1033Val (NM_001353960.2); c.742A>G, p.Met248Val (NM_001353961.2); short protein forms M1034V, M1050V, M248V, M1062V, M1051V, M1033V.
Identifiers: ClinVar variation 3643968 (VCV003643968.2).

ClinVar aggregate classification (germline): Uncertain significance (1 of 4 stars; one submission).

Conditions:
Early-infantile DEE. Also called: Early infantile epileptic encephalopathy; Ohtahara syndrome; Early infantile epileptic encephalopathy with suppression bursts. Identifiers: Orphanet 1934, MedGen C0393706, MONDO:0800491.

Submission:

Labcorp Genetics (formerly Invitae), Labcorp
Classification: Uncertain significance for Early-infantile DEE. Last evaluated: 2025-01-29. Review status: criteria provided, single submitter. Criteria: Invitae Variant Classification Sherloc (09022015). Collection method: clinical testing. Allele origin: germline.
Comment: This sequence change replaces methionine, which is neutral and non-polar, with valine, which is neutral and non-polar, at codon 1062 of the SCN1A protein (p.Met1062Val). This variant is not present in population databases (gnomAD no frequency). This variant has not been reported in the literature in individuals affected with SCN1A-related conditions. Invitae Evidence Modeling of protein sequence and biophysical properties (such as structural, functional, and spatial information, amino acid conservation, physicochemical variation, residue mobility, and thermodynamic stability) indicates that this missense variant is not expected to disrupt SCN1A protein function with a negative predictive value of 95%. In summary, the available evidence is currently insufficient to determine the role of this variant in disease. Therefore, it has been classified as a Variant of Uncertain Significance.